The following is an entry in ClinVar:

ClinVar aggregate classification (germline): Uncertain significance. Review status: criteria provided, multiple submitters, no conflicts (2 of 4 stars). 4 submissions from 4 submitters: Uncertain significance (4). Last evaluated 2025-01-13.

Conditions:
Fatal mitochondrial disease due to combined oxidative phosphorylation defect type 3. Also called: ENCEPHALOMYOPATHY, RESPIRATORY FAILURE, AND LACTIC ACIDOSIS; Combined oxidative phosphorylation deficiency 3. Identifiers: Orphanet 168566, MedGen C1864840, MONDO:0012512, OMIM 610505.

Allele frequency attached by ClinVar (database versions not stated): gnomAD 0.00001 and 0.00003; gnomAD exomes 0.00002 and 0.00005; ExAC 0.00004; TOPMed 0.00008; 1000 Genomes Project 30x 0.00016; 1000 Genomes Project 0.00020.

Submissions (4):

Labcorp Genetics (formerly Invitae), Labcorp
Classification: Uncertain significance. Last evaluated: 2025-01-13. Review status: criteria provided, single submitter. Criteria: Invitae Variant Classification Sherloc (09022015). Collection method: clinical testing. Allele origin: germline.
Comment: This sequence change replaces arginine, which is basic and polar, with glutamine, which is neutral and polar, at codon 54 of the TSFM protein (p.Arg54Gln). This variant is present in population databases (rs202213736, gnomAD 0.07%). This missense change has been observed in individual(s) with TSFM-related conditions (PMID: 33816677). ClinVar contains an entry for this variant (Variation ID: 806907). Invitae Evidence Modeling of protein sequence and biophysical properties (such as structural, functional, and spatial information, amino acid conservation, physicochemical variation, residue mobility, and thermodynamic stability) indicates that this missense variant is expected to disrupt TSFM protein function with a positive predictive value of 80%. In summary, the available evidence is currently insufficient to determine the role of this variant in disease. Therefore, it has been classified as a Variant of Uncertain Significance.

Baylor Genetics
Classification: Uncertain significance for Fatal mitochondrial disease due to combined oxidative phosphorylation defect type 3. Last evaluated: 2023-02-17. Review status: criteria provided, single submitter. Criteria: ACMG Guidelines, 2015. Collection method: clinical testing. Allele origin: unknown.

CeGaT Center for Human Genetics Tuebingen
Classification: Uncertain significance. Last evaluated: 2019-06-01. Review status: criteria provided, single submitter. Criteria: CeGaT Center For Human Genetics Tuebingen Variant Classification Criteria Version 2. Collection method: clinical testing. Allele origin: germline. Affected: yes. Observed: 1 variant allele.

Juno Genomics, Hangzhou Juno Genomics, Inc
Classification: Uncertain significance for Fatal mitochondrial disease due to combined oxidative phosphorylation defect type 3. Review status: criteria provided, single submitter. Criteria: ACMG Guidelines, 2015. Collection method: clinical testing. Allele origin: germline.
Comment: Absent from controls (or at extremely low frequency if recessive) in Genome Aggregation Database.;Multiple lines of computational evidence support a deleterious effect on the gene or gene product.;For recessive disorders, detected in trans with a pathogenic variant.;Patient's phenotype or family history is highly specific for a disease with a single genetic etiology.

Literature cited by the submitters: PubMed 33816677 (cited by Labcorp Genetics (formerly Invitae), Labcorp).

NM_005726.6(TSFM):c.161G>A (p.Arg54Gln)

Gene: TSFM (Ts translation elongation factor, mitochondrial; plus strand). Cytogenetic location: 12q14.1.
Variant type: single nucleotide variant.
Coding change: c.161G>A on transcript NM_005726.6 (MANE Select); coding-DNA position 161, G replaced by A.
Protein change: p.Arg54Gln; replaces arginine 54 with glutamine.
Molecular consequence: missense variant.
Genome position (GRCh38, 1-based): chr12:57,783,213, G>A. VCF-style: chr12-57783213-G-A. GRCh37 (hg19) VCF-style: chr12-58176996-G-A.
Other names: c.161G>A, p.Arg54Gln (NM_001172695.2, NM_001172696.2, NM_001172697.2); short protein forms R54Q.
Identifiers: ClinVar variation 806907 (VCV000806907.47), dbSNP rs202213736, ClinGen allele CA6659236.